The following is an entry in ClinVar:

NM_001365951.3(KIF1B):c.3212C>T (p.Ser1071Phe)

Gene: KIF1B (kinesin family member 1B; plus strand). Cytogenetic location: 1p36.22.
Variant type: single nucleotide variant.
Coding change: c.3212C>T on transcript NM_001365951.3 (MANE Select); coding-DNA position 3212, C replaced by T.
Protein change: p.Ser1071Phe; replaces serine 1071 with phenylalanine.
Molecular consequence: missense variant.
Genome position (GRCh38, 1-based): chr1:10,337,156, C>T. VCF-style: chr1-10337156-C-T. GRCh37 (hg19) VCF-style: chr1-10397214-C-T.
Other names: c.3212C>T, p.Ser1071Phe (NM_001365952.1); c.3074C>T, p.Ser1025Phe (NM_015074.3); short protein forms S1025F, S1071F.
Identifiers: ClinVar variation 2561701 (VCV002561701.3), dbSNP rs2521719374, ClinGen allele CA338339932.

ClinVar aggregate classification (germline): Uncertain significance (1 of 4 stars; one submission).

Submission:

Ambry Genetics
Classification: Uncertain significance. Last evaluated: 2025-08-04. Review status: criteria provided, single submitter. Criteria: Ambry Variant Classification Scheme 2023. Collection method: clinical testing. Allele origin: germline.
Comment: The p.S1025F variant (also known as c.3074C>T), located in coding exon 27 of the KIF1B gene, results from a C to T substitution at nucleotide position 3074. The serine at codon 1025 is replaced by phenylalanine, an amino acid with highly dissimilar properties. This amino acid position is conserved. In addition, the in silico prediction for this alteration is inconclusive. Since supporting evidence is limited at this time, the clinical significance of this alteration remains unclear.